The following is an entry in ClinVar:

NM_001369.3(DNAH5):c.12298C>T (p.Gln4100Ter)

Gene: DNAH5 (dynein axonemal heavy chain 5; minus strand). Cytogenetic location: 5p15.2.
Variant type: single nucleotide variant.
Coding change: c.12298C>T on transcript NM_001369.3 (MANE Select); coding-DNA position 12298, C replaced by T.
Protein change: p.Gln4100Ter; replaces glutamine 4100 with a stop codon.
Molecular consequence: nonsense.
Genome position (GRCh38, 1-based): chr5:13,719,083, G>A on the plus strand (C>T on the coding strand, the complement: DNAH5 is on the minus strand). VCF-style: chr5-13719083-G-A. GRCh37 (hg19) VCF-style: chr5-13719192-G-A.
Other names: short protein forms Q4100*.
Identifiers: ClinVar variation 1725906 (VCV001725906.2), dbSNP rs2546519013, ClinGen allele CA359211644.

ClinVar aggregate classification (germline): Likely pathogenic (1 of 4 stars; one submission).

Conditions:
Primary ciliary dyskinesia 3. Identifiers: Orphanet 244, MedGen C1837618, MONDO:0012085, OMIM 608644.

Submission:

Myriad Genetics, Inc.
Classification: Likely pathogenic for Primary ciliary dyskinesia 3. Last evaluated: 2022-04-12. Review status: criteria provided, single submitter. Criteria: Myriad Women's Health Autosomal Recessive and X-Linked Classification Criteria (2021). Collection method: clinical testing. Allele origin: unknown.
Comment: NM_001369.2(DNAH5):c.12298C>T(Q4100*) is expected to be pathogenic in the context of DNAH5-related primary ciliary dyskinesia. This variant is predicted to lead to an abnormal or absent protein product due to the creation of a premature termination codon in DNAH5, a gene where loss-of-function variants are known to be pathogenic. Please note: this variant was assessed in the context of healthy population screening.